The following is an entry in ClinVar:

NM_015466.4(PTPN23):c.2137AAG[2] (p.Lys715del)

Gene: PTPN23 (protein tyrosine phosphatase non-receptor type 23; plus strand). Cytogenetic location: 3p21.31.
Variant type: Microsatellite.
Coding change: c.2137AAG[2] on transcript NM_015466.4 (MANE Select); two copies in a row of the 3-base unit AAG starting at c.2137; the reference has three copies in a row; one copy, 3 bases deleted; also written c.2143_2145del.
Protein change: p.Lys715del; deletes lysine 715.
Molecular consequence: inframe deletion.
Genome position (GRCh38, 1-based): chr3:47,409,941-47,409,943, AAG deleted; deleting any 3 consecutive bases within chr3:47,409,934-47,409,943 gives the same sequence; the position shown is the placement nearest the transcript's 3' end. VCF-style (leftmost placement, unchanged base first): chr3-47409933-TGAA-T. GRCh37 (hg19) VCF-style: chr3-47451423-TGAA-T.
Other names: c.1759AAG[2], p.Lys589del (NM_001304482.2); c.2143_2145del (NM_015466.4); short protein forms K715del, K589del.
Identifiers: ClinVar variation 2152524 (VCV002152524.3), dbSNP rs751441543, ClinGen allele CA2365950.

ClinVar aggregate classification (germline): Uncertain significance. Review status: criteria provided, multiple submitters, no conflicts (2 of 4 stars). 2 submissions from 2 submitters: Uncertain significance (2). Last evaluated 2025-07-25.

Submissions (2):

Dasa
Classification: Uncertain significance. Last evaluated: 2025-07-25. Review status: criteria provided, single submitter. Criteria: DASA Assertion Criteria. Collection method: clinical testing. Allele origin: germline.
Comment: NM_015466.4(PTPN23):c.2143_2145del (p.Lys715del) is an in-frame deletion predicted to remove lysine at protein position 715 without shifting the reading frame. This variant is rare in population databases. The currently available literature and clinical evidence are not sufficient to establish a definitive association between this variant and the reported condition. Therefore, this variant is classified as a variant of uncertain significance.

Labcorp Genetics (formerly Invitae), Labcorp
Classification: Uncertain significance. Last evaluated: 2022-08-03. Review status: criteria provided, single submitter. Criteria: Invitae Variant Classification Sherloc (09022015). Collection method: clinical testing. Allele origin: germline.
Comment: This variant, c.2143_2145del, results in the deletion of 1 amino acid(s) of the PTPN23 protein (p.Lys715del), but otherwise preserves the integrity of the reading frame. This variant is present in population databases (rs751441543, gnomAD 0.02%). This variant has not been reported in the literature in individuals affected with PTPN23-related conditions. Experimental studies and prediction algorithms are not available or were not evaluated, and the functional significance of this variant is currently unknown. In summary, the available evidence is currently insufficient to determine the role of this variant in disease. Therefore, it has been classified as a Variant of Uncertain Significance.